The following is an entry in ClinVar:

ClinVar aggregate classification (germline): Uncertain significance (1 of 4 stars; one submission).

Conditions:
Capillary malformation-arteriovenous malformation syndrome. Also called: Capillary malformation-arteriovenous malformation. Identifiers: Orphanet 137667, MedGen C1842180, MONDO:0012016.

Submission:

Labcorp Genetics (formerly Invitae), Labcorp
Classification: Uncertain significance for Capillary malformation-arteriovenous malformation syndrome. Last evaluated: 2024-10-07. Review status: criteria provided, single submitter. Criteria: Invitae Variant Classification Sherloc (09022015). Collection method: clinical testing. Allele origin: germline.
Comment: This sequence change replaces threonine, which is neutral and polar, with alanine, which is neutral and non-polar, at codon 291 of the RASA1 protein (p.Thr291Ala). This variant is not present in population databases (gnomAD no frequency). This variant has not been reported in the literature in individuals affected with RASA1-related conditions. An algorithm developed to predict the effect of missense changes on protein structure and function (PolyPhen-2) suggests that this variant is likely to be disruptive. In summary, the available evidence is currently insufficient to determine the role of this variant in disease. Therefore, it has been classified as a Variant of Uncertain Significance.

NM_002890.3(RASA1):c.871A>G (p.Thr291Ala)

Genes: CCNH (cyclin H; minus strand), RASA1 (RAS p21 protein activator 1; plus strand). Cytogenetic location: 5q14.3.
Variant type: single nucleotide variant.
Coding change: c.871A>G on transcript NM_002890.3 (MANE Select); coding-DNA position 871, A replaced by G.
Protein change: p.Thr291Ala; replaces threonine 291 with alanine.
Molecular consequence: missense variant. On other transcripts: intron variant (1).
Genome position (GRCh38, 1-based): chr5:87,333,309, A>G. VCF-style: chr5-87333309-A-G. GRCh37 (hg19) VCF-style: chr5-86629126-A-G.
Other names: c.340A>G, p.Thr114Ala (NM_022650.3); c.934-20514T>C (NM_001364075.2); short protein forms T114A, T291A.
Identifiers: ClinVar variation 3722390 (VCV003722390.2).